The following is an entry in ClinVar:

NM_002185.5(IL7R):c.1020T>G (p.Leu340=)

Gene: IL7R (interleukin 7 receptor; plus strand). Cytogenetic location: 5p13.2.
Variant type: single nucleotide variant.
Coding change: c.1020T>G on transcript NM_002185.5 (MANE Select); coding-DNA position 1020, T replaced by G.
Protein change: p.Leu340=; no amino-acid change (leucine 340 retained).
Molecular consequence: synonymous variant. On other transcripts: non-coding transcript variant (1).
Genome position (GRCh38, 1-based): chr5:35,876,126, T>G. VCF-style: chr5-35876126-T-G. GRCh37 (hg19) VCF-style: chr5-35876228-T-G.
Other names: NM_002185.5(IL7R):c.1020T>G; p.Leu340=.
Identifiers: ClinVar variation 709483 (VCV000709483.17), dbSNP rs138731184, ClinGen allele CA3232180.

ClinVar aggregate classification (germline): Likely benign. Review status: reviewed by expert panel (3 of 4 stars). 5 submissions from 5 submitters: Likely benign (1). 4 of the submissions do not count toward it. Last evaluated 2023-11-14.

Conditions:
Immunodeficiency 104. Also called: Severe combined immunodeficiency, autosomal recessive, T cell-negative, B cell-positive, NK cell-positive; SCID, AUTOSOMAL RECESSIVE, T CELL-NEGATIVE, B CELL-POSITIVE, NK CELL-POSITIVE; IMMUNODEFICIENCY 104, SEVERE COMBINED; Severe Combined Immune Deficiency, Autosomal Recessive, TCell -Negative, B Cell-Positive, NK Cell-Positive, IL7R-Related. Identifiers: MedGen C5676890, MONDO:0012163, OMIM 608971.

Allele frequency attached by ClinVar (database versions not stated): gnomAD exomes 0.00009; 1000 Genomes Project 0.00080; ESP Exome Variant Server 0.00085; gnomAD 0.00086 and 0.00096; TOPMed 0.00094; 1000 Genomes Project 30x 0.00109.
gnomAD v4.1: 269 of 1,614,172 alleles (0.017%); highest among the groups gnomAD compares: African/African-American, 0.33%; 1 homozygote.

Submissions (5):

ClinGen Severe Combined Immunodeficiency Variant Curation Expert Panel, ClinGen
Classification: Likely benign for Immunodeficiency 104. Last evaluated: 2023-11-14. Review status: reviewed by expert panel. Criteria: ClinGen SCID ACMG Specifications IL7R V1.0.0. Collection method: curation. Allele origin: germline.
Comment: The c.1020T>G (p.Leu340=) variant (NM_002185.5) is a synonymous (silent) variant that is not predicted by SpliceAI and varSEAK to impact splicing (BP7). The filtering allele frequency (the lower threshold of the 95% CI of 84/24966) of the c.1020T>G variant in IL7R is 0.002614 for African/African American chromosomes by gnomAD v 2.1.1, which is higher than the ClinGen SCID VCEP threshold (>0.00126) for BS1, and therefore meets this criterion (BS1). No homozygous individuals have been reported (BS2_Supporting). In summary, this variant is classified as Likely Benign for autosomal recessive SCID based on ACMG/AMP criteria applied, as specified by the ClinGen SCID VCEP (specification version 1.0): BS1, BS2_Supporting, and BP7.

Labcorp Genetics (formerly Invitae), Labcorp
Classification: Benign for Immunodeficiency 104. Last evaluated: 2026-01-26. Review status: criteria provided, single submitter. Criteria: Invitae Variant Classification Sherloc (09022015). Collection method: clinical testing. Allele origin: germline. Not counted in ClinVar's aggregate classification.

Women's Health and Genetics/Laboratory Corporation of America, LabCorp
Classification: Likely benign. Last evaluated: 2026-01-23. Review status: criteria provided, single submitter. Criteria: LabCorp Variant Classification Summary - May 2015. Collection method: clinical testing. Allele origin: germline. Not counted in ClinVar's aggregate classification.

Blueprint Genetics
Classification: Likely benign. Last evaluated: 2024-11-25. Review status: criteria provided, single submitter. Criteria: ACMG Guidelines, 2015. Collection method: clinical testing. Allele origin: germline. Not counted in ClinVar's aggregate classification.

Illumina Laboratory Services, Illumina
Classification: Likely benign for Immunodeficiency 104. Last evaluated: 2018-01-13. Review status: criteria provided, single submitter. Criteria: ICSL Variant Classification Criteria 13 December 2019. Collection method: clinical testing. Allele origin: germline. Not counted in ClinVar's aggregate classification.
Comment: This variant was observed in the ICSL laboratory as part of a predisposition screen in an ostensibly healthy population. It had not been previously curated by ICSL or reported in the Human Gene Mutation Database (HGMD: prior to June 1st, 2018), and was therefore a candidate for classification through an automated scoring system. Utilizing variant allele frequency, disease prevalence and penetrance estimates, and inheritance mode, an automated score was calculated to assess if this variant is too frequent to cause the disease. Based on the score and internal cut-off values, a variant classified as likely benign is not then subjected to further curation. The score for this variant resulted in a classification of likely benign for this disease.